The following is an entry in ClinVar:

ClinVar aggregate classification (germline): Likely benign (0 of 4 stars; one submission).

Conditions:
DMBT1-related disorder. Also called: DMBT1-related condition.

Allele frequency attached by ClinVar (database versions not stated): gnomAD 0.00034; gnomAD exomes 0.00035; ExAC 0.00111; 1000 Genomes Project 30x 0.00125; 1000 Genomes Project 0.00539.
gnomAD v4.1: 587 of 1,608,638 alleles (0.036%); highest among the groups gnomAD compares: Middle Eastern, 0.15%; 10 homozygotes.

Submission:

PreventionGenetics, part of Exact Sciences
Classification: Likely benign for DMBT1-related condition. Last evaluated: 2019-03-04. Review status: no assertion criteria provided. Collection method: clinical testing. Allele origin: germline.
Comment: This variant is classified as likely benign based on ACMG/AMP sequence variant interpretation guidelines (Richards et al. 2015 PMID: 25741868, with internal and published modifications).

NM_001377530.1(DMBT1):c.4877G>A (p.Arg1626His)

Gene: DMBT1 (deleted in malignant brain tumors 1; plus strand). Cytogenetic location: 10q26.13.
Variant type: single nucleotide variant.
Coding change: c.4877G>A on transcript NM_001377530.1 (MANE Select); coding-DNA position 4877, G replaced by A.
Protein change: p.Arg1626His; replaces arginine 1626 with histidine.
Molecular consequence: missense variant.
Genome position (GRCh38, 1-based): chr10:122,617,246, G>A. VCF-style: chr10-122617246-G-A. GRCh37 (hg19) VCF-style: chr10-124376762-G-A.
Other names: c.4490G>A, p.Arg1497His (NM_001320644.2, NM_007329.3); c.2606G>A, p.Arg869His (NM_004406.3); c.4460G>A, p.Arg1487His (NM_017579.3); short protein forms R1487H, R1497H, R1626H, R869H.
Identifiers: ClinVar variation 3050534 (VCV003050534.2), dbSNP rs148891350, ClinGen allele CA5727617.